The following is an entry in ClinVar:

NM_001018005.2(TPM1):c.68A>C (p.Glu23Ala)

Gene: TPM1 (tropomyosin 1; plus strand). Cytogenetic location: 15q22.2.
Variant type: single nucleotide variant.
Coding change: c.68A>C on transcript NM_001018005.2 (MANE Select); coding-DNA position 68, A replaced by C.
Protein change: p.Glu23Ala; replaces glutamic acid 23 with alanine.
Molecular consequence: missense variant.
Genome position (GRCh38, 1-based): chr15:63,042,897, A>C. VCF-style: chr15-63042897-A-C. GRCh37 (hg19) VCF-style: chr15-63335096-A-C.
Other names: c.68A>C, p.Glu23Ala (NM_000366.6, NM_001018004.2, NM_001018006.2 and 7 more transcripts); short protein forms E23A.
Identifiers: ClinVar variation 1487618 (VCV001487618.7), dbSNP rs2140595470, ClinGen allele CA392718058.

ClinVar aggregate classification (germline): Uncertain significance. Review status: criteria provided, multiple submitters, no conflicts (2 of 4 stars). 2 submissions from 2 submitters: Uncertain significance (2). Last evaluated 2021-11-08.

Conditions:
Familial cardiomyopathy. Identifiers: MedGen C0264789, MONDO:0005217.
Hypertrophic cardiomyopathy. Also called: HYPERTROPHIC MYOCARDIOPATHY. Identifiers: Orphanet 217569, MedGen C0007194, MeSH D002312, MONDO:0005045, HP:0001639.

Submissions (2):

Labcorp Genetics (formerly Invitae), Labcorp
Classification: Uncertain significance for Hypertrophic cardiomyopathy. Last evaluated: 2021-11-08. Review status: criteria provided, single submitter. Criteria: Invitae Variant Classification Sherloc (09022015). Collection method: clinical testing. Allele origin: germline.
Comment: This sequence change replaces glutamic acid, which is acidic and polar, with alanine, which is neutral and non-polar, at codon 23 of the TPM1 protein (p.Glu23Ala). Algorithms developed to predict the effect of missense changes on protein structure and function are either unavailable or do not agree on the potential impact of this missense change (SIFT: "Tolerated"; PolyPhen-2: "Probably Damaging"; Align-GVGD: "Class C0"). This variant has not been reported in the literature in individuals affected with TPM1-related conditions. This variant is not present in population databases (gnomAD no frequency). In summary, the available evidence is currently insufficient to determine the role of this variant in disease. Therefore, it has been classified as a Variant of Uncertain Significance.

Victorian Clinical Genetics Services, Murdoch Childrens Research Institute
Classification: Uncertain significance for Familial cardiomyopathy. Last evaluated: 2021-05-06. Review status: criteria provided, single submitter. Criteria: ACMG Guidelines, 2015. Collection method: clinical testing. Allele origin: germline. Inheritance: Autosomal dominant inheritance. Affected: yes.
Comment: Based on the classification scheme VCGS_Germline_v1.3.4, this variant is classified as VUS-3A. Following criteria are met: 0105 - The mechanism of disease for this gene is not clearly established, although it has been suggested that that HCM is caused by gain of function missense variants while DCM is caused by loss of function missense variants (PMID: 31270709). (I) 0107 - This gene is associated with autosomal dominant disease. (I) 0200 - Variant is predicted to result in a missense amino acid change from glutamic acid to alanine. (I) 0251 - This variant is heterozygous. (I) 0301 - Variant is absent from gnomAD (both v2 and v3). (SP) 0501 - Missense variant consistently predicted to be damaging by multiple in silico tools and highly conserved with a major amino acid change. (SP) 0604 - Variant is not located in an established domain, motif, hotspot or informative constraint region. (I) 0708 - Other missense variants comparable to the one identified in this case have conflicting previous evidence for pathogenicity. The p.(Glu23Gln) variant has been classified as a VUS by a clinical diagnostic laboratory, but has also been identified in one individual with idiopathic DCM. The p.(Glu23Asp) variant has been classified as a VUS by a clinical diagnostic laboratory, while the p.(Glu23Lys) variant has been identified in an individual with HCM (ClinVar; PMIDs: 20215591, 29907873). (I) 0807 - This variant has no previous evidence of pathogenicity. (I) 0905 - No published segregation evidence has been identified for this variant. (I) 1007 - No published functional evidence has been identified for this variant. (I) 1208 - Inheritance information for this variant is not currently available in this individual. (I) Legend: (SP) - Supporting pathogenic, (I) - Information, (SB) - Supporting benign

Literature cited by the submitters: PubMed 20215591 (cited by Victorian Clinical Genetics Services, Murdoch Childrens Research Institute); PubMed 29907873 (cited by Victorian Clinical Genetics Services, Murdoch Childrens Research Institute); PubMed 31270709 (cited by Victorian Clinical Genetics Services, Murdoch Childrens Research Institute).